The following is an entry in ClinVar:

ClinVar aggregate classification (germline): Likely pathogenic (1 of 4 stars; one submission).

Submission:

Dasa
Classification: Likely pathogenic. Last evaluated: 2026-01-22. Review status: criteria provided, single submitter. Criteria: DASA Assertion Criteria. Collection method: clinical testing. Allele origin: germline.
Comment: NM_018486.3(HDAC8):c.381dup (p.Asp128*) is a nonsense variant in HDAC8 predicted to introduce a premature termination codon and is predicted to result in an absent or altered protein product. Loss of function is an established disease mechanism for HDAC8 (PMID: 22885700; PMID: 24403048; PMID: 26671848). Also, this variant is absent from population databases. Based on the currently available evidence, this variant is classified as likely pathogenic.

Literature cited by the submitters: PubMed 22885700; PubMed 24403048; PubMed 26671848.

NM_018486.3(HDAC8):c.381dup (p.Asp128Ter)

Gene: HDAC8 (histone deacetylase 8; minus strand). Cytogenetic location: Xq13.1.
Variant type: Duplication.
Coding change: c.381dup on transcript NM_018486.3 (MANE Select); coding-DNA position 381, one base duplicated (T; older notation c.381dupT).
Protein change: p.Asp128Ter; replaces aspartic acid 128 with a stop codon.
Molecular consequence: nonsense. On other transcripts: non-coding transcript variant (4), intron variant (3).
Genome position (GRCh38, 1-based): chrX:72,567,945, A duplicated on the plus strand (T on the coding strand, the reverse complement: HDAC8 is on the minus strand); the first of 2 consecutive A bases (chrX:72,567,945-72,567,946); duplicating either gives the same sequence. VCF-style (leftmost placement, unchanged base first): chrX-72567944-C-CA. GRCh37 (hg19) VCF-style: chrX-71787794-C-CA.
Other names: c.381dup, p.Asp128Ter (NM_001166419.2, NM_001166420.2, NM_001166422.2 and 5 more transcripts); c.164+4112dup (NM_001166418.2, NM_001410728.1, NM_001166448.2); short protein forms D128*.
Identifiers: ClinVar variation 4886469 (VCV004886469.2).